The following is an entry in ClinVar:

NM_001142800.2(EYS):c.919G>A (p.Gly307Arg)

Gene: EYS (EGF-like photoreceptor maintenance factor; minus strand). Cytogenetic location: 6q12.
Variant type: single nucleotide variant.
Coding change: c.919G>A on transcript NM_001142800.2 (MANE Select); coding-DNA position 919, G replaced by A.
Protein change: p.Gly307Arg; replaces glycine 307 with arginine.
Molecular consequence: missense variant.
Genome position (GRCh38, 1-based): chr6:65,405,311, C>T on the plus strand (G>A on the coding strand, the complement: EYS is on the minus strand). VCF-style: chr6-65405311-C-T. GRCh37 (hg19) VCF-style: chr6-66115204-C-T.
Other names: c.919G>A, p.Gly307Arg (NM_001142801.2, NM_001292009.2, NM_198283.2); short protein forms G307R.
Identifiers: ClinVar variation 1019141 (VCV001019141.4), dbSNP rs1766684069, ClinGen allele CA364662847.
Genomic context (GRCh38, chr6:65,405,311, plus strand): 5'-GGCTGGAAGATCCTTTTGGGCATTCATAAGTATAAGCAGAACTGCTATTTGGGCAAATTC[C>T]TCTTTTCCAAAAAAGCAGAGAAACACAAGGTTTTGCTGACACCTCACAGAATGGACCTTA-3'
Protein context (NP_001136272.1, residues 297-317): PCVSLLFWKR[Gly307Arg]ICPNSSSAYT

ClinVar aggregate classification (germline): Uncertain significance. Review status: criteria provided, multiple submitters, no conflicts (2 of 4 stars). 3 submissions from 3 submitters: Uncertain significance (2). 1 of the submissions does not count toward it. Last evaluated 2021-08-31.

Conditions:
Retinitis pigmentosa 25 (RP25). Identifiers: Orphanet 791, MedGen C1864446, MONDO:0011272, OMIM 602772.

Allele frequency attached by ClinVar (database versions not stated): TOPMed below 0.00001.

Submissions (3):

Labcorp Genetics (formerly Invitae), Labcorp
Classification: Uncertain significance. Last evaluated: 2021-08-31. Review status: criteria provided, single submitter. Criteria: Invitae Variant Classification Sherloc (09022015). Collection method: clinical testing. Allele origin: germline.
Comment: This sequence change replaces glycine with arginine at codon 307 of the EYS protein (p.Gly307Arg). The glycine residue is moderately conserved and there is a moderate physicochemical difference between glycine and arginine. This variant is not present in population databases (ExAC no frequency). This variant has not been reported in the literature in individuals affected with EYS-related conditions. Algorithms developed to predict the effect of missense changes on protein structure and function (SIFT, PolyPhen-2, Align-GVGD) all suggest that this variant is likely to be tolerated. In summary, the available evidence is currently insufficient to determine the role of this variant in disease. Therefore, it has been classified as a Variant of Uncertain Significance.

Blueprint Genetics
Classification: Uncertain significance. Last evaluated: 2019-08-09. Review status: criteria provided, single submitter. Criteria: ACMG Guidelines, 2015. Collection method: clinical testing. Allele origin: germline.

Natera, Inc.
Classification: Uncertain significance for Retinitis pigmentosa type 25. Last evaluated: 2020-07-01. Review status: no assertion criteria provided. Collection method: clinical testing. Allele origin: germline. Not counted in ClinVar's aggregate classification.